The following is an entry in ClinVar:

NM_003242.6(TGFBR2):c.831G>T (p.Lys277Asn)

Gene: TGFBR2 (transforming growth factor beta receptor 2; plus strand). Cytogenetic location: 3p24.1.
Variant type: single nucleotide variant.
Coding change: c.831G>T on transcript NM_003242.6 (MANE Select); coding-DNA position 831, G replaced by T.
Protein change: p.Lys277Asn; replaces lysine 277 with asparagine.
Molecular consequence: missense variant.
Genome position (GRCh38, 1-based): chr3:30,672,014, G>T. VCF-style: chr3-30672014-G-T. GRCh37 (hg19) VCF-style: chr3-30713506-G-T.
Other names: c.906G>T, p.Lys302Asn (NM_001024847.3); c.1014G>T, p.Lys338Asn (NM_001407126.1); c.939G>T, p.Lys313Asn (NM_001407127.1); c.858G>T, p.Lys286Asn (NM_001407128.1); c.834G>T, p.Lys278Asn (NM_001407129.1); c.831G>T, p.Lys277Asn (NM_001407130.1); c.726G>T, p.Lys242Asn (NM_001407132.1, NM_001407133.1, NM_001407134.1 and 2 more transcripts); c.546G>T, p.Lys182Asn (NM_001407137.1); and 1 more; short protein forms K277N, K302N, K182N, K242N, K286N, K313N, K278N, K157N.
Identifiers: ClinVar variation 263412 (VCV000263412.6), dbSNP rs886038794, ClinGen allele CA10587565.
Genomic context (GRCh38, chr3:30,672,014, plus strand): 5'-GGTCTATAAGGCCAAGCTGAAGCAGAACACTTCAGAGCAGTTTGAGACAGTGGCAGTCAA[G>T]ATCTTTCCCTATGAGGAGTATGCCTCTTGGAAGACAGAGAAGGACATCTTCTCAGACATC-3'
Protein context (NP_003233.4, residues 267-287): TSEQFETVAV[Lys277Asn]IFPYEEYASW

ClinVar aggregate classification (germline): Pathogenic. Review status: criteria provided, multiple submitters, no conflicts (2 of 4 stars). 2 submissions from 2 submitters: Pathogenic (2). Last evaluated 2021-08-06.

Conditions:
Cardiovascular phenotype. Identifiers: MedGen CN230736.
Loeys-Dietz syndrome 2 (LDS2). Also called: TGFBR2-Related Loeys-Dietz Syndrome; Marfan syndrome, type 2 (formerly); AORTIC ANEURYSM, FAMILIAL THORACIC 3; MARFAN SYNDROME, TYPE II; Marfan Syndrome type 2; Marfan like connective tissue disorder. Identifiers: Orphanet 284973, Orphanet 558, MedGen C2674574, MONDO:0012427, OMIM 610168.

Submissions (2):

National Institute of Allergy and Infectious Diseases - Centralized Sequencing Program, National Institutes of Health
Classification: Pathogenic for Loeys-Dietz syndrome 2. Last evaluated: 2021-08-06. Review status: criteria provided, single submitter. Criteria: ACMG Guidelines, 2015. Collection method: clinical testing. Allele origin: germline. Affected: yes.

Ambry Genetics
Classification: Pathogenic for Cardiovascular phenotype. Last evaluated: 2013-04-30. Review status: criteria provided, single submitter. Criteria: Ambry Autosomal Dominant and X-Linked criteria (10/2015). Collection method: clinical testing. Allele origin: germline. Observed: 1 variant allele.
Comment: This variant has not been detected in conjunction with a pathogenic mutation to date. Allele frequency data in population-based cohorts is not currently available. This amino acid position is completely conserved on sequence alignment. This alteration is predicted to be probably damaging with a score of 0.999 (sensitivity: 0.08; specificity: 1.00)This alteration is predicted to be deleterious with a score of 0.000 (conservation: 2.03)